The following is an entry in ClinVar:

NM_000414.4(HSD17B4):c.58+190T>A

Gene: HSD17B4 (hydroxysteroid 17-beta dehydrogenase 4; plus strand). Cytogenetic location: 5q23.1.
Variant type: single nucleotide variant.
Coding change: c.58+190T>A on transcript NM_000414.4 (MANE Select); 190 bases into the intron after coding-DNA position 58, T replaced by A.
Molecular consequence: intron variant. On other transcripts: splice donor variant (7).
Genome position (GRCh38, 1-based): chr5:119,452,823, T>A. VCF-style: chr5-119452823-T-A. GRCh37 (hg19) VCF-style: chr5-118788518-T-A.
Other names: c.-424+2T>A (NM_001374503.1); c.68+2T>A (NM_001199291.3, NM_001199291.2); c.-288+2T>A (NM_001374499.1); c.-359+2T>A (NM_001374502.1); c.-481+2T>A (NM_001374500.1); c.-354+2T>A (NM_001374501.1, NM_001292028.2); c.-80+190T>A (NM_001292027.2); c.58+190T>A (NM_001374498.1, NM_001374497.1, NM_001199292.2).
Identifiers: ClinVar variation 586027 (VCV000586027.6), dbSNP rs1001866915, ClinGen allele CA125915777.
Genomic context (GRCh38, chr5:119,452,823, plus strand): 5'-CTTGAGGCACCGCATCTCTTGAGGAGGAAAGAGCCGGAAACACCTGGTCTCTCAAGCAGG[T>A]ACAGCCCGCTTCTCCCCAGCACCCCGGTGTGGGCTTCCCAAGGTCCTGCCTGAGAGGAGA-3'

ClinVar aggregate classification (germline): Conflicting classifications of pathogenicity. Review status: criteria provided, conflicting classifications (1 of 4 stars). 2 submissions from 2 submitters: Likely pathogenic (1); Uncertain significance (1). Last evaluated 2025-08-13.

Conditions:
HSD17B4-related disorder. Also called: HSD17B4-related condition; HSD17B4-related disorders.

Allele frequency attached by ClinVar (database versions not stated): gnomAD exomes 0.00001; gnomAD 0.00005 and 0.00006; TOPMed 0.00016.
gnomAD v4.1: 19 of 1,536,098 alleles (0.0012%); highest among the groups gnomAD compares: Admixed American, 0.027%; no homozygotes.

Submissions (2):

PreventionGenetics, part of Exact Sciences
Classification: Uncertain significance for HSD17B4-related condition. Last evaluated: 2025-08-13. Review status: criteria provided, single submitter. Criteria: ACMG Guidelines, 2015. Collection method: clinical testing. Allele origin: germline.
Comment: The HSD17B4 c.68+2T>A variant is predicted to disrupt the GT donor site and interfere with normal splicing. In an alternate transcript (NM_000414.3), this variant is within an intronic region (c.58+190T>A). This variant has been documented in a carrier screening study without any clinical or functional evidence to assess its pathogenicity (Table S1 in Capalbo et al. 2019. PubMed ID: 31589614). This variant is reported in 0.0041% of alleles in individuals of Latino descent in gnomAD. At this time, the clinical significance of this variant is uncertain due to the absence of conclusive functional and genetic evidence.

Athena Diagnostics
Classification: Likely pathogenic. Last evaluated: 2018-07-30. Review status: criteria provided, single submitter. Criteria: Athena Diagnostics Criteria. Collection method: clinical testing. Allele origin: germline.